The following is an entry in ClinVar:

ClinVar aggregate classification (germline): Uncertain significance. Review status: criteria provided, multiple submitters, no conflicts (2 of 4 stars). 3 submissions from 3 submitters: Uncertain significance (3). Last evaluated 2025-11-24.

Conditions:
Hypertrophic cardiomyopathy. Also called: HYPERTROPHIC MYOCARDIOPATHY. Identifiers: Orphanet 217569, MedGen C0007194, MeSH D002312, MONDO:0005045, HP:0001639.

Allele frequency attached by ClinVar (database versions not stated): gnomAD exomes 0.00005 and 0.00006; gnomAD 0.00006 and 0.00007; ExAC 0.00007; TOPMed 0.00007; 1000 Genomes Project 30x 0.00016; ESP Exome Variant Server 0.00016; 1000 Genomes Project 0.00020.
gnomAD v4.1: 79 of 1,613,858 alleles (0.0049%); highest among the groups gnomAD compares: African/African-American, 0.017%; no homozygotes.

Submissions (3):

Ambry Genetics
Classification: Uncertain significance. Last evaluated: 2025-11-24. Review status: criteria provided, single submitter. Criteria: Ambry Variant Classification Scheme 2023. Collection method: clinical testing. Allele origin: germline.

Labcorp Genetics (formerly Invitae), Labcorp
Classification: Uncertain significance for Hypertrophic cardiomyopathy. Last evaluated: 2025-05-28. Review status: criteria provided, single submitter. Criteria: Invitae Variant Classification Sherloc (09022015). Collection method: clinical testing. Allele origin: germline.
Comment: This sequence change replaces arginine, which is basic and polar, with histidine, which is basic and polar, at codon 713 of the MYOM1 protein (p.Arg713His). This variant is present in population databases (rs183881662, gnomAD 0.02%). This variant has not been reported in the literature in individuals affected with MYOM1-related conditions. ClinVar contains an entry for this variant (Variation ID: 222743). Invitae Evidence Modeling of protein sequence and biophysical properties (such as structural, functional, and spatial information, amino acid conservation, physicochemical variation, residue mobility, and thermodynamic stability) has been performed for this missense variant. However, the output from this modeling did not meet the statistical confidence thresholds required to predict the impact of this variant on MYOM1 protein function. In summary, the available evidence is currently insufficient to determine the role of this variant in disease. Therefore, it has been classified as a Variant of Uncertain Significance.

Blueprint Genetics
Classification: Uncertain significance. Last evaluated: 2024-10-14. Review status: criteria provided, single submitter. Criteria: ACMG Guidelines, 2015. Collection method: clinical testing. Allele origin: germline.

NM_003803.4(MYOM1):c.2138G>A (p.Arg713His)

Gene: MYOM1 (myomesin 1; minus strand). Cytogenetic location: 18p11.31.
Variant type: single nucleotide variant.
Coding change: c.2138G>A on transcript NM_003803.4 (MANE Select); coding-DNA position 2138, G replaced by A.
Protein change: p.Arg713His; replaces arginine 713 with histidine.
Molecular consequence: missense variant.
Genome position (GRCh38, 1-based): chr18:3,135,618, C>T on the plus strand (G>A on the coding strand, the complement: MYOM1 is on the minus strand). VCF-style: chr18-3135618-C-T. GRCh37 (hg19) VCF-style: chr18-3135616-C-T.
Other names: c.2138G>A, p.Arg713His (NM_019856.2); short protein forms R713H.
Identifiers: ClinVar variation 222743 (VCV000222743.11), dbSNP rs183881662, ClinGen allele CA354047.
Genomic context (GRCh38, chr18:3,135,618, plus strand): 5'-CCTACCACAGTCACCTCCGTTGCCTCTGAGGGCTCACCAACTCCTGCAGAATTAGAACAG[C>T]GGACACGGAAACAGTAGGATTTCCCCTCGGCCAAGTCAAACAGAGCAAAGCGGGGAGACT-3'
Protein context (NP_003794.3, residues 703-723): AEGKSYCFRV[Arg713His]CSNSAGVGEP